The following is an entry in ClinVar:

ClinVar aggregate classification (germline): Uncertain significance (1 of 4 stars; one submission).

Conditions:
MAGEL2-related disorder. Also called: MAGEL2-related condition.

Submission:

PreventionGenetics, part of Exact Sciences
Classification: Uncertain significance for MAGEL2-related condition. Last evaluated: 2024-11-06. Review status: criteria provided, single submitter. Criteria: ACMG Guidelines, 2015. Collection method: clinical testing. Allele origin: germline.
Comment: The MAGEL2 c.1368_1409del42 variant is predicted to result in an in-frame deletion (p.Ala463_Pro476del). To our knowledge, this variant has not been reported in the literature or in a large population database (gnomAD), indicating this variant is rare. This variant is interpreted as no interpretation set.

NM_019066.5(MAGEL2):c.1368_1409del (p.Ala463_Pro476del)

Gene: MAGEL2 (MAGE family member L2; minus strand). Cytogenetic location: 15q11.2.
Variant type: Deletion.
Coding change: c.1368_1409del on transcript NM_019066.5 (MANE Select); coding-DNA positions 1368 to 1409, 42 bases deleted.
Protein change: p.Ala463_Pro476del.
Molecular consequence: inframe deletion.
Genome position (GRCh38, 1-based): chr15:23,646,334-23,646,375, 42 bases deleted; deleting any 42 consecutive bases within chr15:23,646,334-23,646,395 gives the same sequence; the c. name uses the placement nearest the transcript's 3' end. GRCh37 (hg19): chr15:23,891,501-23,891,542.
Identifiers: ClinVar variation 4989320 (VCV004989320.1).
Genomic context (GRCh38, chr15:23,646,333, plus strand): 5'-CGGGGCCTGGCGGATCACAGGTGGAGCCTGGCGGATCACAGGTGGGGCCTGGCGGATCAC[AGGTGGGGCCTGGCGGATCACAGCGGGGGCCTGGCGGATCACG>A]GGTGGGGCCTGGCGGATCACGGGTGGGGCCTGGCGGATCACCGGTGGGGCCTGGCGGATC-3'